The following is an entry in ClinVar:

NM_198576.4(AGRN):c.5505G>C (p.Arg1835Ser)

Gene: AGRN (agrin; plus strand). Cytogenetic location: 1p36.33.
Variant type: single nucleotide variant.
Coding change: c.5505G>C on transcript NM_198576.4 (MANE Select); coding-DNA position 5505, G replaced by C.
Protein change: p.Arg1835Ser; replaces arginine 1835 with serine.
Molecular consequence: missense variant.
Genome position (GRCh38, 1-based): chr1:1,051,587, G>C. VCF-style: chr1-1051587-G-C. GRCh37 (hg19) VCF-style: chr1-986967-G-C.
Other names: c.5517G>C, p.Arg1839Ser (NM_001305275.2); c.5202G>C, p.Arg1734Ser (NM_001364727.2); short protein forms R1734S, R1835S, R1839S.
Identifiers: ClinVar variation 1402242 (VCV001402242.5), dbSNP rs760016457, ClinGen allele CA510056.
Genomic context (GRCh38, chr1:1,051,587, plus strand): 5'-TCACCCCTGCACCCGGGCCTCAGGCCACCCCTGCCTCAATGGGGCCTCCTGCGTCCCGAG[G>C]GAGGCTGCCTATGTGTGCCTGTGTCCCGGGGGATTCTCAGGACCGCACTGCGAGAAGGGT-3'
Protein context (NP_940978.2, residues 1825-1845): PCLNGASCVP[Arg1835Ser]EAAYVCLCPG

ClinVar aggregate classification (germline): Uncertain significance (1 of 4 stars; one submission).

Conditions:
Congenital myasthenic syndrome 8. Also called: MYASTHENIC SYNDROME, CONGENITAL, DUE TO AGRIN DEFICIENCY; Myasthenic syndrome, congenital, 8, with pre- and postsynaptic defects. Identifiers: Orphanet 590, MedGen C3808739, MONDO:0014052, OMIM 615120.

Allele frequency attached by ClinVar (database versions not stated): gnomAD exomes 0.00001; TOPMed below 0.00001; ExAC 0.00001.
gnomAD v4.1: 4 of 1,602,638 alleles (0.00025%); highest among the groups gnomAD compares: Admixed American, 0.0067%; no homozygotes.

Submission:

Labcorp Genetics (formerly Invitae), Labcorp
Classification: Uncertain significance for Congenital myasthenic syndrome 8. Last evaluated: 2021-09-24. Review status: criteria provided, single submitter. Criteria: Invitae Variant Classification Sherloc (09022015). Collection method: clinical testing. Allele origin: germline.
Comment: This sequence change replaces arginine with serine at codon 1835 of the AGRN protein (p.Arg1835Ser). The arginine residue is moderately conserved and there is a moderate physicochemical difference between arginine and serine. This variant is present in population databases (rs760016457, ExAC 0.01%). This variant has not been reported in the literature in individuals with AGRN-related conditions. Algorithms developed to predict the effect of missense changes on protein structure and function are either unavailable or do not agree on the potential impact of this missense change (SIFT: "Deleterious"; PolyPhen-2: "Possibly Damaging"; Align-GVGD: "Class C0"). In summary, the available evidence is currently insufficient to determine the role of this variant in disease. Therefore, it has been classified as a Variant of Uncertain Significance.